The following is an entry in ClinVar:

NM_025114.4(CEP290):c.3323A>G (p.Asn1108Ser)

Gene: CEP290 (centrosomal protein 290; minus strand). Cytogenetic location: 12q21.32.
Variant type: single nucleotide variant.
Coding change: c.3323A>G on transcript NM_025114.4 (MANE Select); coding-DNA position 3323, A replaced by G.
Protein change: p.Asn1108Ser; replaces asparagine 1108 with serine.
Molecular consequence: missense variant.
Genome position (GRCh38, 1-based): chr12:88,092,819, T>C on the plus strand (A>G on the coding strand, the complement: CEP290 is on the minus strand). VCF-style: chr12-88092819-T-C. GRCh37 (hg19) VCF-style: chr12-88486596-T-C.
Other names: short protein forms N1108S.
Identifiers: ClinVar variation 969814 (VCV000969814.9), dbSNP rs373207132, ClinGen allele CA6712160.
Genomic context (GRCh38, chr12:88,092,819, plus strand): 5'-TTGCTCACACTATCAGCTAATTCATCTCTTAACATCTGTTCCACCTTCTGTGCATCCAAA[T>C]TGATTTTGGTAAGCTAAGGAAATGTAACAAAAAATGTTCAGATACATCAATTTTTGGTGA-3'
Protein context (NP_079390.3, residues 1098-1118): ETKFAELTKI[Asn1108Ser]LDAQKVEQML

ClinVar aggregate classification (germline): Uncertain significance. Review status: criteria provided, multiple submitters, no conflicts (2 of 4 stars). 6 submissions from 6 submitters: Uncertain significance (4). 2 of the submissions do not count toward it. Last evaluated 2025-08-27.

Conditions:
Nephronophthisis. Also called: Juvenile Nephronophthisis. Identifiers: Orphanet 655, MedGen C0687120, MONDO:0019005, HP:0000090.
Meckel-Gruber syndrome. Also called: DYSENCEPHALIA SPLANCHNOCYSTICA; GRUBER SYNDROME; Dysencephalia splachnocystica. Identifiers: Orphanet 564, MedGen C0265215, MONDO:0018921.
Joubert syndrome. Also called: JOUBERT-BOLTSHAUSER SYNDROME; Familial aplasia of the vermis. Identifiers: Orphanet 475, MedGen C5979921, MONDO:0018772.
Leber congenital amaurosis (LCA). Also called: Leber's amaurosis. Identifiers: Orphanet 65, MedGen C0339527, MeSH D057130, MONDO:0018998.
CEP290-related disorder. Also called: CEP290-related condition; CEP290-related disorders. Identifiers: MedGen CN239314.
Inborn genetic diseases. Identifiers: MedGen C0950123, MeSH D030342.
Joubert syndrome 5 (JBTS5). Identifiers: Orphanet 2318, MedGen C1857780, MONDO:0012432, OMIM 610188.
Meckel syndrome, type 4 (MKS4). Also called: MECKEL-GRUBER SYNDROME, TYPE 4. Identifiers: Orphanet 564, MedGen C1970161, MONDO:0012626, OMIM 611134.
Senior-Loken syndrome 6 (SLSN6). Identifiers: Orphanet 3156, MedGen C1857779, MONDO:0012433, OMIM 610189.
Bardet-Biedl syndrome 14 (BBS14). Identifiers: Orphanet 110, MedGen C2673874, MONDO:0014442, OMIM 615991.
Leber congenital amaurosis 10 (LCA10). Identifiers: Orphanet 65, MedGen C1857821, MONDO:0012723, OMIM 611755.

Allele frequency attached by ClinVar (database versions not stated): ExAC 0.00001; gnomAD 0.00001; gnomAD exomes 0.00001; TOPMed 0.00003; ESP Exome Variant Server 0.00008.
gnomAD v4.1: 63 of 1,608,834 alleles (0.0039%); highest among the groups gnomAD compares: Non-Finnish European, 0.005%; no homozygotes.

Submissions (6):

Ambry Genetics
Classification: Uncertain significance for Inborn genetic diseases. Last evaluated: 2025-08-27. Review status: criteria provided, single submitter. Criteria: Ambry Variant Classification Scheme 2023. Collection method: clinical testing. Allele origin: germline.

Labcorp Genetics (formerly Invitae), Labcorp
Classification: Uncertain significance for Joubert syndrome; Meckel-Gruber syndrome; Nephronophthisis. Last evaluated: 2025-03-17. Review status: criteria provided, single submitter. Criteria: Invitae Variant Classification Sherloc (09022015). Collection method: clinical testing. Allele origin: germline.
Comment: This sequence change replaces asparagine, which is neutral and polar, with serine, which is neutral and polar, at codon 1108 of the CEP290 protein (p.Asn1108Ser). This variant is present in population databases (rs373207132, gnomAD 0.003%). This variant has not been reported in the literature in individuals affected with CEP290-related conditions. ClinVar contains an entry for this variant (Variation ID: 969814). Invitae Evidence Modeling of protein sequence and biophysical properties (such as structural, functional, and spatial information, amino acid conservation, physicochemical variation, residue mobility, and thermodynamic stability) indicates that this missense variant is expected to disrupt CEP290 protein function with a positive predictive value of 80%. In summary, the available evidence is currently insufficient to determine the role of this variant in disease. Therefore, it has been classified as a Variant of Uncertain Significance.

Fulgent Genetics
Classification: Uncertain significance for Joubert syndrome 5; Senior-Loken syndrome 6; Meckel syndrome, type 4; Leber congenital amaurosis 10; Bardet-Biedl syndrome 14. Last evaluated: 2024-02-19. Review status: criteria provided, single submitter. Criteria: ACMG Guidelines, 2015. Collection method: clinical testing. Allele origin: germline.

Blueprint Genetics
Classification: Uncertain significance. Last evaluated: 2021-10-15. Review status: criteria provided, single submitter. Criteria: ACMG Guidelines, 2015. Collection method: clinical testing. Allele origin: germline.

PreventionGenetics, part of Exact Sciences
Classification: Uncertain significance for CEP290-related condition. Last evaluated: 2024-07-17. Review status: no assertion criteria provided. Collection method: clinical testing. Allele origin: germline. Not counted in ClinVar's aggregate classification.
Comment: The CEP290 c.3323A>G variant is predicted to result in the amino acid substitution p.Asn1108Ser. To our knowledge, this variant has not been reported in the literature. This variant is reported in 0.0032% of alleles in individuals of European (Non-Finnish) descent in gnomAD. At this time, the clinical significance of this variant is uncertain due to the absence of conclusive functional and genetic evidence.

Natera, Inc.
Classification: Uncertain significance for Leber congenital amaurosis. Last evaluated: 2021-04-11. Review status: no assertion criteria provided. Collection method: clinical testing. Allele origin: germline. Not counted in ClinVar's aggregate classification.